The following is an entry in ClinVar:

NM_001386795.1(DTNA):c.2295+200C>T

Gene: DTNA (dystrobrevin alpha; plus strand). Cytogenetic location: 18q12.1.
Variant type: single nucleotide variant.
Coding change: c.2295+200C>T on transcript NM_001386795.1 (MANE Select); 200 bases into the intron after coding-DNA position 2295, C replaced by T.
Molecular consequence: intron variant.
Genome position (GRCh38, 1-based): chr18:34,882,401, C>T. VCF-style: chr18-34882401-C-T. GRCh37 (hg19) VCF-style: chr18-32462365-C-T.
Other names: c.2043+200C>T (NM_032975.4, NM_001386761.1); c.2040+200C>T (NM_001386762.1); c.2124+200C>T (NM_001386754.1, NM_001386755.1, NM_001386757.1 and 3 more transcripts); c.2121+200C>T (NM_001386760.1); c.2034+200C>T (NM_001386763.1, NM_001386764.1, NM_001198940.2 and 5 more transcripts); c.2031+200C>T (NM_001386768.1, NM_001386769.1); c.2055+200C>T (NM_001198939.2); c.2295+200C>T (NM_001386788.1); and 5 more.
Identifiers: ClinVar variation 672665 (VCV000672665.1), dbSNP rs8095787, ClinGen allele CA14559795.
Genomic context (GRCh38, chr18:34,882,401, plus strand): 5'-CCGTGTCTTTTAGACAGTAAACATTTTAAATACTTCTTTTTTTTTTAAGACAGAATTTCA[C>T]TCTGTTGCCTAGGCTGGAGTGCAGTGGTGTGATCTTGGCTCACTGCAACCTCCGTCTCCC-3'

ClinVar aggregate classification (germline): Benign (1 of 4 stars; one submission).

Allele frequency attached by ClinVar (database versions not stated): 1000 Genomes Project 30x 0.12227; 1000 Genomes Project 0.12260; gnomAD 0.15417; TOPMed 0.15621.
gnomAD v4.1: 24,029 of 152,002 alleles (16%); highest among the groups gnomAD compares: Non-Finnish European, 18%; 2,037 homozygotes.

Submission:

GeneDx
Classification: Benign. Last evaluated: 2018-06-15. Review status: criteria provided, single submitter. Criteria: GeneDx Variant Classification (06012015). Collection method: clinical testing. Allele origin: germline. Affected: yes.
Comment: This variant is considered likely benign or benign based on one or more of the following criteria: it is a conservative change, it occurs at a poorly conserved position in the protein, it is predicted to be benign by multiple in silico algorithms, and/or has population frequency not consistent with disease.